The following is an entry in ClinVar:

ClinVar aggregate classification (germline): Uncertain significance (1 of 4 stars; one submission).

Submission:

Labcorp Genetics (formerly Invitae), Labcorp
Classification: Uncertain significance. Last evaluated: 2022-05-13. Review status: criteria provided, single submitter. Criteria: Invitae Variant Classification Sherloc (09022015). Collection method: clinical testing. Allele origin: germline.
Comment: This variant has not been reported in the literature in individuals affected with COL11A1-related conditions. In summary, the available evidence is currently insufficient to determine the role of this variant in disease. Therefore, it has been classified as a Variant of Uncertain Significance. Advanced modeling of protein sequence and biophysical properties (such as structural, functional, and spatial information, amino acid conservation, physicochemical variation, residue mobility, and thermodynamic stability) performed at Invitae indicates that this missense variant is not expected to disrupt COL11A1 protein function. This variant is not present in population databases (gnomAD no frequency). This sequence change replaces lysine, which is basic and polar, with arginine, which is basic and polar, at codon 575 of the COL11A1 protein (p.Lys575Arg).

NM_001854.4(COL11A1):c.1724A>G (p.Lys575Arg)

Gene: COL11A1 (collagen type XI alpha 1 chain; minus strand). Cytogenetic location: 1p21.1.
Variant type: single nucleotide variant.
Coding change: c.1724A>G on transcript NM_001854.4 (MANE Select); coding-DNA position 1724, A replaced by G.
Protein change: p.Lys575Arg; replaces lysine 575 with arginine.
Molecular consequence: missense variant. On other transcripts: non-coding transcript variant (1).
Genome position (GRCh38, 1-based): chr1:103,006,275, T>C on the plus strand (A>G on the coding strand, the complement: COL11A1 is on the minus strand). VCF-style: chr1-103006275-T-C. GRCh37 (hg19) VCF-style: chr1-103471831-T-C.
Other names: c.1376A>G, p.Lys459Arg (NM_001168249.1, NM_080630.4); c.1607A>G, p.Lys536Arg (NM_001190709.2); c.1760A>G, p.Lys587Arg (NM_080629.3); short protein forms K459R, K536R, K575R, K587R.
Identifiers: ClinVar variation 2046414 (VCV002046414.4), dbSNP rs2525408797, ClinGen allele CA341175005.
Genomic context (GRCh38, chr1:103,006,275, plus strand): 5'-TGATCATGGCAGATGCCTTCAAAATGCACAATGAAAATAAGCCATACCCTTTTTCCAGGT[T>C]TTCCCGTTGGACCAGGGGGACCCTGGACGCCTCGAGGGCCCTATATCAAGACATCATAAT-3'
Protein context (NP_001845.3, residues 565-585): GVQGPPGPTG[Lys575Arg]PGKRGRPGAD